The following is an entry in ClinVar:

NM_006017.3(PROM1):c.958A>G (p.Arg320Gly)

Gene: PROM1 (prominin 1; minus strand). Cytogenetic location: 4p15.32.
Variant type: single nucleotide variant.
Coding change: c.958A>G on transcript NM_006017.3 (MANE Select); coding-DNA position 958, A replaced by G.
Protein change: p.Arg320Gly; replaces arginine 320 with glycine.
Molecular consequence: missense variant.
Genome position (GRCh38, 1-based): chr4:16,018,367, T>C on the plus strand (A>G on the coding strand, the complement: PROM1 is on the minus strand). VCF-style: chr4-16018367-T-C. GRCh37 (hg19) VCF-style: chr4-16019990-T-C.
Other names: c.931A>G, p.Arg311Gly (NM_001145847.2, NM_001145848.2, NM_001145851.2 and 4 more transcripts); c.958A>G, p.Arg320Gly (NM_001145849.2, NM_001145850.2); short protein forms R311G, R320G.
Identifiers: ClinVar variation 1318936 (VCV001318936.2), dbSNP rs1043647793, ClinGen allele CA92562948.

ClinVar aggregate classification (germline): Uncertain significance (1 of 4 stars; one submission).

gnomAD v4.1: 1 of 1,613,714 alleles (0.000062%); highest among the groups gnomAD compares: Admixed American, 0.0017%; no homozygotes.

Submission:

GeneDx
Classification: Uncertain significance. Last evaluated: 2019-04-04. Review status: criteria provided, single submitter. Criteria: GeneDx Variant Classification Process June 2021. Collection method: clinical testing. Allele origin: germline. Affected: yes.
Comment: In silico analysis, which includes protein predictors and evolutionary conservation, supports a deleterious effect; Has not been previously published as pathogenic or benign to our knowledge